The following is an entry in ClinVar:

NM_000226.4(KRT9):c.1360T>C (p.Tyr454His)

Gene: KRT9 (keratin 9; minus strand). Cytogenetic location: 17q21.2.
Variant type: single nucleotide variant.
Coding change: c.1360T>C on transcript NM_000226.4 (MANE Select); coding-DNA position 1360, T replaced by C.
Protein change: p.Tyr454His; replaces tyrosine 454 with histidine.
Molecular consequence: missense variant.
Genome position (GRCh38, 1-based): chr17:41,568,196, A>G on the plus strand (T>C on the coding strand, the complement: KRT9 is on the minus strand). VCF-style: chr17-41568196-A-G. GRCh37 (hg19) VCF-style: chr17-39724448-A-G.
Other names: short protein forms Y454H.
Identifiers: ClinVar variation 66146 (VCV000066146.5), dbSNP rs267607420, ClinGen allele CA216547.
Genomic context (GRCh38, chr17:41,568,196, plus strand): 5'-GTTCCACCAAATCCTGGGGGACCTACAAGTCTTCCTGGCCTCCCTCAAGGAGGTTGTGGT[A>G]GGTCTCGATTTCCTTCTCCAGCCGCATCTTAATGCTGAGCAGAAGGCTGTATTCCTGATT-3'
Protein context (NP_000217.2, residues 444-464): KMRLEKEIET[Tyr454His]HNLLEGGQED

ClinVar aggregate classification (germline): Pathogenic. Review status: criteria provided, single submitter (1 of 4 stars). 2 submissions from 2 submitters: Pathogenic (1). 1 of the submissions does not count toward it. Last evaluated 2022-06-10.

Submissions (2):

Labcorp Genetics (formerly Invitae), Labcorp
Classification: Pathogenic. Last evaluated: 2022-06-10. Review status: criteria provided, single submitter. Criteria: Invitae Variant Classification Sherloc (09022015). Collection method: clinical testing. Allele origin: germline.
Comment: For these reasons, this variant has been classified as Pathogenic. Advanced modeling of protein sequence and biophysical properties (such as structural, functional, and spatial information, amino acid conservation, physicochemical variation, residue mobility, and thermodynamic stability) performed at Invitae indicates that this missense variant is expected to disrupt KRT9 protein function. ClinVar contains an entry for this variant (Variation ID: 66146). This missense change has been observed in individual(s) with epidermolytic palmoplantar keratoderma (PMID: 19874353). It has also been observed to segregate with disease in related individuals. This variant is not present in population databases (gnomAD no frequency). This sequence change replaces tyrosine, which is neutral and polar, with histidine, which is basic and polar, at codon 454 of the KRT9 protein (p.Tyr454His).

Epithelial Biology;  Institute of Medical Biology, Singapore
No classification provided. Review status: no classification provided. Collection method: not provided. Allele origin: not provided. Not counted in ClinVar's aggregate classification.

Literature cited by the submitters: PubMed 19874353 (cited by Labcorp Genetics (formerly Invitae), Labcorp).